The following is an entry in ClinVar:

NM_007118.4(TRIO):c.8163T>C (p.Pro2721=)

Genes: TRIO (trio Rho guanine nucleotide exchange factor; plus strand), LOC126807323 (CDK7 strongly-dependent group 2 enhancer GRCh37_chr5:14497716-14498915; plus strand). Cytogenetic location: 5p15.2.
Variant type: single nucleotide variant.
Coding change: c.8163T>C on transcript NM_007118.4 (MANE Select); coding-DNA position 8163, T replaced by C.
Protein change: p.Pro2721=; no amino-acid change (proline 2721 retained).
Molecular consequence: synonymous variant. On other transcripts: non-coding transcript variant (1).
Genome position (GRCh38, 1-based): chr5:14,498,204, T>C. VCF-style: chr5-14498204-T-C. GRCh37 (hg19) VCF-style: chr5-14498313-T-C.
Identifiers: ClinVar variation 3234707 (VCV003234707.20), dbSNP rs752329900, ClinGen allele CA3207752.

ClinVar aggregate classification (germline): Likely benign. Review status: criteria provided, multiple submitters, no conflicts (2 of 4 stars). 2 submissions from 2 submitters: Likely benign (2). Last evaluated 2025-11-01.

Allele frequency attached by ClinVar (database versions not stated): ExAC 0.00001; gnomAD exomes 0.00001.
gnomAD v4.1: 8 of 1,614,232 alleles (0.0005%); highest among the groups gnomAD compares: East Asian, 0.016%; no homozygotes.

Submissions (2):

CeGaT Center for Human Genetics Tuebingen
Classification: Likely benign. Last evaluated: 2025-11-01. Review status: criteria provided, single submitter. Criteria: CeGaT Center For Human Genetics Tuebingen Variant Classification Criteria Version 2. Collection method: clinical testing. Allele origin: germline. Affected: yes. Observed: 2 variant alleles.
Comment: TRIO: BP4, BP7

Women's Health and Genetics/Laboratory Corporation of America, LabCorp
Classification: Likely benign. Last evaluated: 2025-05-12. Review status: criteria provided, single submitter. Criteria: LabCorp Variant Classification Summary - May 2015. Collection method: clinical testing. Allele origin: germline.